The following is an entry in ClinVar:

ClinVar aggregate classification (germline): Likely benign (1 of 4 stars; one submission).

Allele frequency attached by ClinVar (database versions not stated): gnomAD 0.01183; 1000 Genomes Project 0.85503.

Submission:

GeneDx
Classification: Likely benign. Last evaluated: 2018-06-14. Review status: criteria provided, single submitter. Criteria: GeneDx Variant Classification (06012015). Collection method: clinical testing. Allele origin: germline. Affected: yes.
Comment: This variant is considered likely benign or benign based on one or more of the following criteria: it is a conservative change, it occurs at a poorly conserved position in the protein, it is predicted to be benign by multiple in silico algorithms, and/or has population frequency not consistent with disease.

NM_000744.7(CHRNA4):c.384-207T>C

Gene: CHRNA4 (cholinergic receptor nicotinic alpha 4 subunit; minus strand). Cytogenetic location: 20q13.33.
Variant type: single nucleotide variant.
Coding change: c.384-207T>C on transcript NM_000744.7 (MANE Select); 207 bases into the intron before coding-DNA position 384, T replaced by C.
Molecular consequence: intron variant.
Genome position (GRCh38, 1-based): chr20:63,351,234, A>G on the plus strand (T>C on the coding strand, the complement: CHRNA4 is on the minus strand). VCF-style: chr20-63351234-A-G. GRCh37 (hg19) VCF-style: chr20-61982586-A-G.
Other names: c.-145-207T>C (NM_001256573.2).
Identifiers: ClinVar variation 679900 (VCV000679900.1), dbSNP rs74934614, ClinGen allele CA317437028.